The following is an entry in ClinVar:

NM_015896.4(ZMYND10):c.896C>T (p.Thr299Ile)

Gene: ZMYND10 (zinc finger MYND-type containing 10; minus strand). Cytogenetic location: 3p21.31.
Variant type: single nucleotide variant.
Coding change: c.896C>T on transcript NM_015896.4 (MANE Select); coding-DNA position 896, C replaced by T.
Protein change: p.Thr299Ile; replaces threonine 299 with isoleucine.
Molecular consequence: missense variant.
Genome position (GRCh38, 1-based): chr3:50,342,118, G>A on the plus strand (C>T on the coding strand, the complement: ZMYND10 is on the minus strand). VCF-style: chr3-50342118-G-A. GRCh37 (hg19) VCF-style: chr3-50379549-G-A.
Other names: c.881C>T, p.Thr294Ile (NM_001308379.2); short protein forms T294I, T299I.
Identifiers: ClinVar variation 3907717 (VCV003907717.1).

ClinVar aggregate classification (germline): Uncertain significance (1 of 4 stars; one submission).

gnomAD v4.1: 15 of 1,612,330 alleles (0.00093%); highest among the groups gnomAD compares: Admixed American, 0.0017%; no homozygotes.

Submission:

GeneDx
Classification: Uncertain significance. Last evaluated: 2024-12-31. Review status: criteria provided, single submitter. Criteria: GeneDx Variant Classification Process June 2021. Collection method: clinical testing. Allele origin: germline. Affected: yes.
Comment: Has not been previously published as pathogenic or benign to our knowledge; Not observed at significant frequency in large population cohorts (gnomAD); In silico analysis indicates that this missense variant does not alter protein structure/function